The following is an entry in ClinVar:

ClinVar aggregate classification (germline): Pathogenic. Review status: criteria provided, multiple submitters, no conflicts (2 of 4 stars). 4 submissions from 4 submitters: Pathogenic (2). 2 of the submissions do not count toward it. Last evaluated 2023-11-01.

Conditions:
Autosomal recessive nonsyndromic hearing loss 9. Also called: OTOF-Related Hearing Loss; NEUROSENSORY NONSYNDROMIC RECESSIVE DEAFNESS 9; AUDITORY NEUROPATHY, AUTOSOMAL RECESSIVE, 1, TEMPERATURE-SENSITIVE; Deafness, autosomal recessive 9. Identifiers: Orphanet 90636, MedGen C1832828, MONDO:0010986, OMIM 601071.

Allele frequency attached by ClinVar (database versions not stated): TOPMed 0.00001; ExAC 0.00002; gnomAD 0.00001; gnomAD exomes 0.00001.
gnomAD v4.1: 7 of 1,613,702 alleles (0.00043%); highest among the groups gnomAD compares: East Asian, 0.0067%; no homozygotes.

Submissions (4):

Labcorp Genetics (formerly Invitae), Labcorp
Classification: Pathogenic. Last evaluated: 2023-11-01. Review status: criteria provided, single submitter. Criteria: Invitae Variant Classification Sherloc (09022015). Collection method: clinical testing. Allele origin: germline.
Comment: This sequence change creates a premature translational stop signal (p.Arg425*) in the OTOF gene. It is expected to result in an absent or disrupted protein product. Loss-of-function variants in OTOF are known to be pathogenic (PMID: 18381613, 19250381, 22575033). This variant is present in population databases (rs397515582, gnomAD 0.02%). This premature translational stop signal has been observed in individual(s) with auditory neuropathy spectrum disorder and/or deafness (PMID: 19250381, 28335750, 31095577). It has also been observed to segregate with disease in related individuals. ClinVar contains an entry for this variant (Variation ID: 65776). Algorithms developed to predict the effect of sequence changes on RNA splicing suggest that this variant may disrupt the consensus splice site. For these reasons, this variant has been classified as Pathogenic.

Juno Genomics, Hangzhou Juno Genomics, Inc
Classification: Pathogenic for Autosomal recessive nonsyndromic hearing loss 9. Review status: criteria provided, single submitter. Criteria: ACMG Guidelines, 2015. Collection method: clinical testing. Allele origin: germline.
Comment: Absent from controls (or at extremely low frequency if recessive) in Genome Aggregation Database.;Null variant in a gene where loss of function (LOF) is a known mechanism of disease.;Co-segregation with disease in multiple affected family members.

Diagnosis and Treatment Center of Genetic Hearing Loss, Eye & ENT Hospital of Fudan University
Classification: Pathogenic for Autosomal recessive nonsyndromic hearing loss 9. Last evaluated: 2026-02-04. Review status: no assertion criteria provided. Collection method: clinical testing. Allele origin: germline. Inheritance: Autosomal recessive inheritance. Affected: yes. Not counted in ClinVar's aggregate classification.
Comment: The c.1273C>T nonsense variant in OTOF leads to a premature stop codon and predicted NMD (PVS1). The population frequency is 0.0001 (PM2_Supporting). It has been reported in at least three patients: one in trans with a VUS (c.[1273C>T];[4994T>C]) and two homozygous (PM3). In one family, the proband and an affected brother were compound heterozygous, while an unaffected sister was heterozygous (PP1). (PMID: 28335750, 19250381)

GeneReviews
No classification provided. Condition: Autosomal recessive nonsyndromic hearing loss 9. Review status: no classification provided. Collection method: literature only. Allele origin: unknown. Not counted in ClinVar's aggregate classification.

Literature cited by the submitters: PubMed 18381613 (cited by Labcorp Genetics (formerly Invitae), Labcorp); PubMed 19250381 (cited by 3 submitters); PubMed 22575033 (cited by Labcorp Genetics (formerly Invitae), Labcorp); PubMed 28335750 (cited by Labcorp Genetics (formerly Invitae), Labcorp and Diagnosis and Treatment Center of Genetic Hearing Loss, Eye & ENT Hospital of Fudan University); PubMed 31095577 (cited by Labcorp Genetics (formerly Invitae), Labcorp); PubMed 20301429 (cited by GeneReviews); NCBI Bookshelf NBK1251 (cited by GeneReviews).

NM_194248.3(OTOF):c.1273C>T (p.Arg425Ter)

Gene: OTOF (otoferlin; minus strand). Cytogenetic location: 2p23.3.
Variant type: single nucleotide variant.
Coding change: c.1273C>T on transcript NM_194248.3 (MANE Select); coding-DNA position 1273, C replaced by T.
Protein change: p.Arg425Ter; replaces arginine 425 with a stop codon.
Molecular consequence: nonsense.
Genome position (GRCh38, 1-based): chr2:26,483,581, G>A on the plus strand (C>T on the coding strand, the complement: OTOF is on the minus strand). VCF-style: chr2-26483581-G-A. GRCh37 (hg19) VCF-style: chr2-26706449-G-A.
Other names: c.1273C>T, p.Arg425Ter (NM_001287489.2); short protein forms R425*.
Identifiers: ClinVar variation 65776 (VCV000065776.10), dbSNP rs397515582, ClinGen allele CA345087.
Genomic context (GRCh38, chr2:26,483,581, plus strand): 5'-TGAAAGCCTTCTTTACATTGGCCATGAGGCTTGTGTTCATACGGGGCAGCCCCTCTGCTC[G>A]GTAAATTTTCACATAGAACCGGGCCCACTGGCGTTCGGGGGGCACCCCCTCGGGGAGCAG-3'